The following is an entry in ClinVar:

ClinVar aggregate classification (germline): Uncertain significance. Review status: criteria provided, multiple submitters, no conflicts (2 of 4 stars). 2 submissions from 2 submitters: Uncertain significance (2). Last evaluated 2025-06-30.

Conditions:
Transcobalamin II deficiency (TCN2D). Also called: TC II DEFICIENCY; TCN2 DEFICIENCY; Transcolabamin II deficiency. Identifiers: Orphanet 859, MedGen C0342701, MONDO:0010149, OMIM 275350.
Inborn genetic diseases. Identifiers: MedGen C0950123, MeSH D030342.

Allele frequency attached by ClinVar (database versions not stated): gnomAD exomes 0.00001 and 0.00002; TOPMed 0.00003; ExAC 0.00004.
gnomAD v4.1: 14 of 1,614,132 alleles (0.00087%); highest among the groups gnomAD compares: Admixed American, 0.012%; no homozygotes.

Submissions (2):

Ambry Genetics
Classification: Uncertain significance for Inborn genetic diseases. Last evaluated: 2025-06-30. Review status: criteria provided, single submitter. Criteria: Ambry Variant Classification Scheme 2023. Collection method: clinical testing. Allele origin: germline.

Labcorp Genetics (formerly Invitae), Labcorp
Classification: Uncertain significance for Transcobalamin II deficiency. Last evaluated: 2022-09-30. Review status: criteria provided, single submitter. Criteria: Invitae Variant Classification Sherloc (09022015). Collection method: clinical testing. Allele origin: germline.
Comment: This sequence change replaces aspartic acid, which is acidic and polar, with asparagine, which is neutral and polar, at codon 416 of the TCN2 protein (p.Asp416Asn). This variant is present in population databases (rs773473997, gnomAD 0.01%). This variant has not been reported in the literature in individuals affected with TCN2-related conditions. ClinVar contains an entry for this variant (Variation ID: 570957). Advanced modeling of protein sequence and biophysical properties (such as structural, functional, and spatial information, amino acid conservation, physicochemical variation, residue mobility, and thermodynamic stability) performed at Invitae indicates that this missense variant is not expected to disrupt TCN2 protein function. In summary, the available evidence is currently insufficient to determine the role of this variant in disease. Therefore, it has been classified as a Variant of Uncertain Significance.

NM_000355.4(TCN2):c.1246G>A (p.Asp416Asn)

Gene: TCN2 (transcobalamin 2; plus strand). Cytogenetic location: 22q12.2.
Variant type: single nucleotide variant.
Coding change: c.1246G>A on transcript NM_000355.4 (MANE Select); coding-DNA position 1246, G replaced by A.
Protein change: p.Asp416Asn; replaces aspartic acid 416 with asparagine.
Molecular consequence: missense variant.
Genome position (GRCh38, 1-based): chr22:30,626,483, G>A. VCF-style: chr22-30626483-G-A. GRCh37 (hg19) VCF-style: chr22-31022470-G-A.
Other names: c.1165G>A, p.Asp389Asn (NM_001184726.2); short protein forms D416N, D389N.
Identifiers: ClinVar variation 570957 (VCV000570957.7), dbSNP rs773473997, ClinGen allele CA10185070.